The following is an entry in ClinVar:

NM_000064.4(C3):c.2290C>T (p.Arg764Ter)

Gene: C3 (complement C3; minus strand). Cytogenetic location: 19p13.3.
Variant type: single nucleotide variant.
Coding change: c.2290C>T on transcript NM_000064.4 (MANE Select); coding-DNA position 2290, C replaced by T.
Protein change: p.Arg764Ter; replaces arginine 764 with a stop codon.
Molecular consequence: nonsense.
Genome position (GRCh38, 1-based): chr19:6,702,535, G>A on the plus strand (C>T on the coding strand, the complement: C3 is on the minus strand). VCF-style: chr19-6702535-G-A. GRCh37 (hg19) VCF-style: chr19-6702546-G-A.
Other names: short protein forms R764*.
Identifiers: ClinVar variation 2972902 (VCV002972902.5), dbSNP rs551385421, ClinGen allele CA9129130.
Genomic context (GRCh38, chr19:6,702,535, plus strand): 5'-TTTTCGGTGGCTCTTTCAAGTCCTCAACGTTCCACAGCCAGCTCTCTGGGAACTCACTTC[G>A]GGAAACGATGTTCTCTTCTGCAATGATGTCCTCATCCAGGTTACCTGCAGGGGGTTTAGA-3'

ClinVar aggregate classification (germline): Pathogenic/Likely pathogenic. Review status: criteria provided, multiple submitters, no conflicts (2 of 4 stars). 3 submissions from 3 submitters: Pathogenic (2); Likely pathogenic (1). Last evaluated 2025-09-30.

Conditions:
Age related macular degeneration 9. Identifiers: MedGen C1969651, MONDO:0012659, OMIM 611378.
Atypical hemolytic-uremic syndrome with C3 anomaly. Also called: AHUS, SUSCEPTIBILITY TO, 5. Identifiers: Orphanet 2134, MedGen C2752037, MONDO:0013043, OMIM 612925.
Complement component 3 deficiency. Identifiers: Orphanet 280133, MedGen C3151071, MONDO:0013417, OMIM 613779.

Allele frequency attached by ClinVar (database versions not stated): gnomAD exomes below 0.00001; ExAC 0.00001; gnomAD 0.00001; 1000 Genomes Project 30x 0.00016; 1000 Genomes Project 0.00020.

Submissions (3):

Genomenon, Inc
Classification: Pathogenic for Complement component 3 deficiency. Last evaluated: 2025-09-30. Review status: criteria provided, single submitter. Criteria: Genomenon Sequence Variant Interpretation Standards. Collection method: curation. Allele origin: germline. Affected: yes.
Comment: C3 p.Arg764Ter (c.2290C>T) is a nonsense variant that introduces a premature stop codon at amino acid position 764, creating a truncated protein that is predicted to undergo nonsense-mediated mRNA decay. This variant has been observed in at least one proband affected with C3 deficiency (PMID:24321396). It is absent or not present at a significant frequency in gnomAD. In conclusion, we classify C3 p.Arg764Ter (c.2290C>T) as a pathogenic variant.

Labcorp Genetics (formerly Invitae), Labcorp
Classification: Pathogenic. Last evaluated: 2024-10-12. Review status: criteria provided, single submitter. Criteria: Invitae Variant Classification Sherloc (09022015). Collection method: clinical testing. Allele origin: germline.
Comment: This sequence change creates a premature translational stop signal (p.Arg764*) in the C3 gene. It is expected to result in an absent or disrupted protein product. Loss-of-function variants in C3 are known to be pathogenic (PMID: 12462331, 14639503, 21501302). This variant is present in population databases (rs551385421, gnomAD 0.007%). This premature translational stop signal has been observed in individual(s) with complement deficiency (PMID: 31440263). For these reasons, this variant has been classified as Pathogenic.

Fulgent Genetics
Classification: Likely pathogenic for Age related macular degeneration 9; Atypical hemolytic-uremic syndrome with C3 anomaly; Complement component 3 deficiency. Last evaluated: 2024-04-08. Review status: criteria provided, single submitter. Criteria: ACMG Guidelines, 2015. Collection method: clinical testing. Allele origin: germline.

Literature cited by the submitters: PubMed 24321396 (cited by Genomenon, Inc); PubMed 12462331 (cited by Labcorp Genetics (formerly Invitae), Labcorp); PubMed 14639503 (cited by Labcorp Genetics (formerly Invitae), Labcorp); PubMed 21501302 (cited by Labcorp Genetics (formerly Invitae), Labcorp); PubMed 31440263 (cited by Labcorp Genetics (formerly Invitae), Labcorp).